The following is an entry in ClinVar:

ClinVar aggregate classification (germline): Uncertain significance (1 of 4 stars; one submission).

Conditions:
Trimethylaminuria (TMAU). Also called: Primary Trimethylaminuria; Fish malodor syndrome; Stale fish syndrome; TMAuria; FISH-ODOR SYNDROME. Identifiers: MedGen C0342739, MONDO:0011182, OMIM 602079, HP:0003614. Disease mechanism: loss of function.

gnomAD v4.1: 3 of 1,613,790 alleles (0.00019%); highest among the groups gnomAD compares: East Asian, 0.0067%; no homozygotes.

Submission:

Myriad Genetics, Inc.
Classification: Uncertain significance for Trimethylaminuria. Last evaluated: 2026-05-12. Review status: criteria provided, single submitter. Criteria: Myriad Autosomal Dominant, Autosomal Recessive and X-Linked Classification Criteria (2023). Collection method: clinical testing. Allele origin: unknown.
Comment: NM_001002294.2(FMO3):c.240C>A(N80K) is a missense variant classified as a variant of uncertain significance in the context of primary trimethylaminuria. N80K has not been observed in cases with relevant disease. Relevant functional assessments of this variant are not available in the literature. N80K has been observed in referenced population frequency databases. In summary, there is insufficient evidence to classify NM_001002294.2(FMO3):c.240C>A(N80K) as pathogenic or benign. Please note: this variant was assessed in the context of healthy population screening.

NM_001002294.3(FMO3):c.240C>A (p.Asn80Lys)

Gene: FMO3 (flavin containing dimethylaniline monoxygenase 3; plus strand). Cytogenetic location: 1q24.3.
Variant type: single nucleotide variant.
Coding change: c.240C>A on transcript NM_001002294.3 (MANE Select); coding-DNA position 240, C replaced by A.
Protein change: p.Asn80Lys; replaces asparagine 80 with lysine.
Molecular consequence: missense variant. On other transcripts: intron variant (1).
Genome position (GRCh38, 1-based): chr1:171,103,892, C>A. VCF-style: chr1-171103892-C-A. GRCh37 (hg19) VCF-style: chr1-171073033-C-A.
Other names: c.180C>A, p.Asn60Lys (NM_001319173.2); c.240C>A, p.Asn80Lys (NM_006894.6); c.133-3783C>A (NM_001319174.2); short protein forms N60K, N80K.
Identifiers: ClinVar variation 5003991 (VCV005003991.1).